The following is an entry in ClinVar:

NM_201525.4(ADGRG1):c.297G>A (p.Gly99=)

Gene: ADGRG1 (adhesion G protein-coupled receptor G1; plus strand). Cytogenetic location: 16q21.
Variant type: single nucleotide variant.
Coding change: c.297G>A on transcript NM_201525.4 (MANE Select); coding-DNA position 297, G replaced by A.
Protein change: p.Gly99=; no amino-acid change (glycine 99 retained).
Molecular consequence: synonymous variant. On other transcripts: 5 prime UTR variant (5), intron variant (1).
Genome position (GRCh38, 1-based): chr16:57,651,432, G>A. VCF-style: chr16-57651432-G-A. GRCh37 (hg19) VCF-style: chr16-57685344-G-A.
Other names: p.Gly99=; c.297G>A, p.Gly99= (NM_001145770.3, NM_001145771.3, NM_001145772.3 and 16 more transcripts); c.312G>A, p.Gly104= (NM_001145773.3, NM_001370433.1); c.-229G>A (NM_001290143.2, NM_001290144.2, NM_001370451.1 and 2 more transcripts); c.141G>A, p.Gly47= (NM_001370442.1); c.110+187G>A (NM_001290142.2).
Identifiers: ClinVar variation 2825607 (VCV002825607.4), dbSNP rs2545110100, ClinGen allele CA396043038.

ClinVar aggregate classification (germline): Likely benign. Review status: criteria provided, multiple submitters, no conflicts (2 of 4 stars). 2 submissions from 2 submitters: Likely benign (2). Last evaluated 2024-12-20.

Submissions (2):

Mayo Clinic Laboratories, Mayo Clinic
Classification: Likely benign. Last evaluated: 2024-12-20. Review status: criteria provided, single submitter. Criteria: ACMG Guidelines, 2015. Collection method: clinical testing. Allele origin: germline. Observed: 1 variant allele.
Comment: BP4, BP7

Labcorp Genetics (formerly Invitae), Labcorp
Classification: Likely benign. Last evaluated: 2022-12-31. Review status: criteria provided, single submitter. Criteria: Invitae Variant Classification Sherloc (09022015). Collection method: clinical testing. Allele origin: germline.